The following is an entry in ClinVar:

NM_017613.4(DONSON):c.70A>G (p.Lys24Glu)

Gene: DONSON (DNA replication fork stabilization factor DONSON; minus strand). Cytogenetic location: 21q22.11.
Variant type: single nucleotide variant.
Coding change: c.70A>G on transcript NM_017613.4 (MANE Select); coding-DNA position 70, A replaced by G.
Protein change: p.Lys24Glu; replaces lysine 24 with glutamic acid.
Molecular consequence: missense variant.
Genome position (GRCh38, 1-based): chr21:33,588,572, T>C on the plus strand (A>G on the coding strand, the complement: DONSON is on the minus strand). VCF-style: chr21-33588572-T-C. GRCh37 (hg19) VCF-style: chr21-34960878-T-C.
Other names: short protein forms K24E.
Identifiers: ClinVar variation 3393415 (VCV003393415.1).
Genomic context (GRCh38, chr21:33,588,572, plus strand): 5'-CCGCCGGCTCCGTCAGCTCACGGGGCGGGGAGGCGGCAGCTCCACGGCTCCGGGCCCTTT[T>C]CCGTCGGAGCCGCACTACCTCGGGCGGCTTTCGGAAGCCCGGTGAGTAGCCGGGCACCGA-3'
Protein context (NP_060083.1, residues 14-34): KPPEVVRLRR[Lys24Glu]RARSRGAAAS

ClinVar aggregate classification (germline): Uncertain significance (1 of 4 stars; one submission).

Conditions:
Microcephaly, short stature, and limb abnormalities. Identifiers: Orphanet 572773, MedGen C4539873, MONDO:0060533, OMIM 617604.

gnomAD v4.1: 9 of 1,254,640 alleles (0.00072%); highest among the groups gnomAD compares: South Asian, 0.021%; no homozygotes.

Submission:

Neuberg Centre For Genomic Medicine, NCGM
Classification: Uncertain significance for Microcephaly, short stature, and limb abnormalities. Review status: criteria provided, single submitter. Criteria: ACMG Guidelines, 2015. Collection method: clinical testing. Allele origin: germline. Inheritance: Autosomal recessive inheritance. Affected: yes.
Comment: The observed missense variant c.70A>Gp.Lys24Glu in the DONSON gene has not been reported previously as a pathogenic variant nor as a benign variant, to our knowledge. This variant is absent in the gnomAD Exomes. The amino acid Lys at position 24 is changed to a Glu changing protein sequence and it might alter its composition and physico-chemical properties. Computational evidence MutationTaster - Disease causing predict a damaging effect on protein structure and function for this variant. The residue is conserved by GERP++ and PhyloP across 100 vertebrates. For these reasons, this variant has been classified as Uncertain Significance.